The following is an entry in ClinVar:

NM_001042492.3(NF1):c.2705T>A (p.Met902Lys)

Gene: NF1 (neurofibromin 1; plus strand). Cytogenetic location: 17q11.2.
Variant type: single nucleotide variant.
Coding change: c.2705T>A on transcript NM_001042492.3 (MANE Select); coding-DNA position 2705, T replaced by A.
Protein change: p.Met902Lys; replaces methionine 902 with lysine.
Molecular consequence: missense variant.
Genome position (GRCh38, 1-based): chr17:31,229,320, T>A. VCF-style: chr17-31229320-T-A. GRCh37 (hg19) VCF-style: chr17-29556338-T-A.
Other names: c.2705T>A, p.Met902Lys (NM_000267.4); short protein forms M902K.
Identifiers: ClinVar variation 3404754 (VCV003404754.1).

ClinVar aggregate classification (germline): Uncertain significance (1 of 4 stars; one submission).

Conditions:
Hereditary cancer-predisposing syndrome. Also called: Hereditary Cancer Syndrome; Tumor predisposition; Hereditary neoplastic syndrome; Neoplastic Syndromes, Hereditary. Identifiers: Orphanet 140162, MedGen C0027672, MeSH D009386, MONDO:0015356.
Cardiovascular phenotype. Identifiers: MedGen CN230736.

Submission:

Ambry Genetics
Classification: Uncertain significance for Cardiovascular phenotype; Hereditary cancer-predisposing syndrome. Last evaluated: 2024-10-05. Review status: criteria provided, single submitter. Criteria: Ambry Variant Classification Scheme 2023. Collection method: clinical testing. Allele origin: germline.
Comment: The c.2705T>A variant (also known as p.M902K), located in coding exon 21 of the NF1 gene, results from a T to A substitution at nucleotide position 2705. This nucleotide position is highly conserved in available vertebrate species. In silico splice site analysis predicts that this alteration may result in the creation or strengthening of a novel splice donor site and may result in the creation or strengthening of a novel splice acceptor site; however, direct evidence is insufficient at this time (Ambry internal data). Based on the available evidence, the clinical significance of this variant remains unclear.